The following is an entry in ClinVar:

ClinVar aggregate classification (germline): Uncertain significance (1 of 4 stars; one submission).

Conditions:
Oculofaciocardiodental syndrome (MCOPS2). Identifiers: Orphanet 2712, MedGen C1846265, MONDO:0010261, OMIM 300166.

gnomAD v4.1: 6 of 1,211,817 alleles (0.0005%); highest among the groups gnomAD compares: Non-Finnish European, 0.00056%; no homozygotes.

Submission:

Labcorp Genetics (formerly Invitae), Labcorp
Classification: Uncertain significance for Oculofaciocardiodental syndrome. Last evaluated: 2025-08-18. Review status: criteria provided, single submitter. Criteria: Invitae Variant Classification Sherloc (09022015). Collection method: clinical testing. Allele origin: germline.
Comment: This sequence change replaces alanine, which is neutral and non-polar, with serine, which is neutral and polar, at codon 172 of the BCOR protein (p.Ala172Ser). This variant is present in population databases (rs776199630, gnomAD 0.001%). This variant has not been reported in the literature in individuals affected with BCOR-related conditions. An algorithm developed to predict the effect of missense changes on protein structure and function (PolyPhen-2) suggests that this variant is likely to be tolerated. In summary, the available evidence is currently insufficient to determine the role of this variant in disease. Therefore, it has been classified as a Variant of Uncertain Significance.

NM_001123385.2(BCOR):c.514G>T (p.Ala172Ser)

Genes: BCOR (BCL6 corepressor; minus strand), LOC126863239 (MED14-independent group 3 enhancer GRCh37_chrX:39932994-39934193; plus strand). Cytogenetic location: Xp11.4.
Variant type: single nucleotide variant.
Coding change: c.514G>T on transcript NM_001123385.2 (MANE Select); coding-DNA position 514, G replaced by T.
Protein change: p.Ala172Ser; replaces alanine 172 with serine.
Molecular consequence: missense variant.
Genome position (GRCh38, 1-based): chrX:40,074,832, C>A on the plus strand (G>T on the coding strand, the complement: BCOR is on the minus strand). VCF-style: chrX-40074832-C-A. GRCh37 (hg19) VCF-style: chrX-39934085-C-A.
Other names: c.514G>T, p.Ala172Ser (NM_001123383.2, NM_001123384.2, NM_001437510.1 and 4 more transcripts); short protein forms A172S.
Identifiers: ClinVar variation 4738188 (VCV004738188.1).
Genomic context (GRCh38, chrX:40,074,832, plus strand): 5'-CCCAGGGCAGCCGCAGATAACTAGCACCATTGATGTTGAGAGGGCTCTGTTTGTCGCTGG[C>A]AGGCCTGTCCAAGCCCAGCGCTTCTGCTGTGGCTACAGCACTTTTTTGTATTCCAGGCGG-3'
Protein context (NP_001116857.1, residues 162-182): TAEALGLDRP[Ala172Ser]SDKQSPLNIN